The following is an entry in ClinVar:

NM_006084.5(IRF9):c.329A>G (p.Lys110Arg)

Gene: IRF9 (interferon regulatory factor 9; plus strand). Cytogenetic location: 14q12.
Variant type: single nucleotide variant.
Coding change: c.329A>G on transcript NM_006084.5 (MANE Select); coding-DNA position 329, A replaced by G.
Protein change: p.Lys110Arg; replaces lysine 110 with arginine.
Molecular consequence: missense variant.
Genome position (GRCh38, 1-based): chr14:24,163,114, A>G. VCF-style: chr14-24163114-A-G. GRCh37 (hg19) VCF-style: chr14-24632323-A-G.
Other names: c.329A>G, p.Lys110Arg (NM_001385400.1, NM_001385401.1, NM_001385402.1); short protein forms K110R.
Identifiers: ClinVar variation 4720497 (VCV004720497.1).

ClinVar aggregate classification (germline): Uncertain significance (1 of 4 stars; one submission).

Submission:

Labcorp Genetics (formerly Invitae), Labcorp
Classification: Uncertain significance. Last evaluated: 2025-05-30. Review status: criteria provided, single submitter. Criteria: Invitae Variant Classification Sherloc (09022015). Collection method: clinical testing. Allele origin: germline.
Comment: This sequence change replaces lysine, which is basic and polar, with arginine, which is basic and polar, at codon 110 of the IRF9 protein (p.Lys110Arg). This variant is not present in population databases (gnomAD no frequency). This variant has not been reported in the literature in individuals affected with IRF9-related conditions. An algorithm developed to predict the effect of missense changes on protein structure and function (PolyPhen-2) suggests that this variant is likely to be disruptive. In summary, the available evidence is currently insufficient to determine the role of this variant in disease. Therefore, it has been classified as a Variant of Uncertain Significance.